The following is an entry in ClinVar:

NM_002332.3(LRP1):c.10012C>T (p.Gln3338Ter)

Gene: LRP1 (LDL receptor related protein 1; plus strand). Cytogenetic location: 12q13.3.
Variant type: single nucleotide variant.
Coding change: c.10012C>T on transcript NM_002332.3 (MANE Select); coding-DNA position 10012, C replaced by T.
Protein change: p.Gln3338Ter; replaces glutamine 3338 with a stop codon.
Molecular consequence: nonsense.
Genome position (GRCh38, 1-based): chr12:57,200,023, C>T. VCF-style: chr12-57200023-C-T. GRCh37 (hg19) VCF-style: chr12-57593806-C-T.
Other names: short protein forms Q3338*.
Identifiers: ClinVar variation 4976651 (VCV004976651.1).

ClinVar aggregate classification (germline): Uncertain significance (1 of 4 stars; one submission).

Submission:

GeneDx
Classification: Uncertain significance. Last evaluated: 2023-07-26. Review status: criteria provided, single submitter. Criteria: GeneDx Variant Classification Process June 2021. Collection method: clinical testing. Allele origin: germline.
Comment: Not observed at significant frequency in large population cohorts (gnomAD); Nonsense variant predicted to result in protein truncation or nonsense mediated decay in a gene or region of a gene for which loss of function is not a well-established mechanism of disease; Has not been previously published as pathogenic or benign to our knowledge; Variants in candidate genes are classified as variants of uncertain significance in accordance with ACMG guidelines (Richards et al., 2015)